The following is an entry in ClinVar:

ClinVar aggregate classification (germline): Uncertain significance (1 of 4 stars; one submission).

Conditions:
Neutral lipid storage myopathy (NLSDM). Also called: NEUTRAL LIPID STORAGE DISEASE WITHOUT ICHTHYOSIS. Identifiers: Orphanet 98908, MedGen C1853136, MONDO:0012545, OMIM 610717.

Submission:

Labcorp Genetics (formerly Invitae), Labcorp
Classification: Uncertain significance for Neutral lipid storage myopathy. Last evaluated: 2021-09-08. Review status: criteria provided, single submitter. Criteria: Invitae Variant Classification Sherloc (09022015). Collection method: clinical testing. Allele origin: germline.
Comment: This sequence change replaces valine with glycine at codon 150 of the PNPLA2 protein (p.Val150Gly). The valine residue is highly conserved and there is a moderate physicochemical difference between valine and glycine. This variant is not present in population databases (ExAC no frequency). This variant has not been reported in the literature in individuals affected with PNPLA2-related conditions. Algorithms developed to predict the effect of missense changes on protein structure and function are either unavailable or do not agree on the potential impact of this missense change (SIFT: "Tolerated"; PolyPhen-2: "Possibly Damaging"; Align-GVGD: "Class C0"). In summary, the available evidence is currently insufficient to determine the role of this variant in disease. Therefore, it has been classified as a Variant of Uncertain Significance.

NM_020376.4(PNPLA2):c.449T>G (p.Val150Gly)

Gene: PNPLA2 (patatin like domain 2, triacylglycerol lipase; plus strand). Cytogenetic location: 11p15.5.
Variant type: single nucleotide variant.
Coding change: c.449T>G on transcript NM_020376.4 (MANE Select); coding-DNA position 449, T replaced by G.
Protein change: p.Val150Gly; replaces valine 150 with glycine.
Molecular consequence: missense variant.
Genome position (GRCh38, 1-based): chr11:821,986, T>G. VCF-style: chr11-821986-T-G. GRCh37 (hg19) VCF-style: chr11-821986-T-G.
Other names: short protein forms V150G.
Identifiers: ClinVar variation 1489197 (VCV001489197.6), dbSNP rs2133847491, ClinGen allele CA378978832.